The following is an entry in ClinVar:

ClinVar aggregate classification (germline): Pathogenic (1 of 4 stars; one submission).

Conditions:
Lamb-Shaffer syndrome. Identifiers: Orphanet 313884, Orphanet 313892, Orphanet 530983, MedGen C4225202, MONDO:0014778, OMIM 616803.

Submission:

Women's Health and Genetics/Laboratory Corporation of America, LabCorp
Classification: Pathogenic for Lamb-Shaffer syndrome. Last evaluated: 2025-03-25. Review status: criteria provided, single submitter. Criteria: LabCorp Variant Classification Summary - May 2015. Collection method: clinical testing. Allele origin: germline.
Comment: Variant summary: The variant involves the deletion of exons 1-3 in the SOX5 gene (NM_006940.6). A presumed nomenclature of c.(?_-70)_(481+1_482-1)del has been designated for the purposes of this classification. The exact breakpoint at the 5' end of this variant is unknown, therefore this deletion may extend upstream of the annotated region of this gene. Although the exact breakpoints of this deletion are not known, it is predicted to remove the initiation codon and result in an absence of protein or a truncation of the encoded protein due to translation initiation at a downstream site. The variant was absent in 120780 control chromosomes in the gnomAD database (Structural Variants v4.1 dataset). Deletion of exons 1-3 in the SOX5 gene has been reported in the literature as a de novo variant in individuals affected with Lamb-Shaffer Syndrome (e.g. Lamb_2012, Edgerley_2023). These data indicate that the variant is likely associated with disease. To our knowledge, no experimental evidence demonstrating an impact on protein function has been reported. No submitters have cited clinical-significance assessments for this variant to ClinVar. Based on the evidence outlined above, the variant was classified as pathogenic.

Literature cited by the submitters: PubMed 36861937; PubMed 22290657.

NC_000012.11:g.(23908659_23998916)_(24102605_?)del

Gene: SOX5 (SRY-box transcription factor 5; minus strand). Cytogenetic location: 12p12.1.
Variant type: Deletion.
Identifiers: ClinVar variation 3895970 (VCV003895970.1).